The following is an entry in ClinVar:

NM_007194.4(CHEK2):c.846+12T>C

Gene: CHEK2 (checkpoint kinase 2; minus strand). Cytogenetic location: 22q12.1.
Variant type: single nucleotide variant.
Coding change: c.846+12T>C on transcript NM_007194.4 (MANE Select); 12 bases into the intron after coding-DNA position 846, T replaced by C.
Molecular consequence: intron variant.
Genome position (GRCh38, 1-based): chr22:28,709,994, A>G on the plus strand (T>C on the coding strand, the complement: CHEK2 is on the minus strand). VCF-style: chr22-28709994-A-G. GRCh37 (hg19) VCF-style: chr22-29105982-A-G.
Other names: c.183+12T>C (NM_001437942.1, NM_001257387.3); c.645+12T>C (NM_001349956.3); c.846+12T>C (NM_145862.3); c.939+12T>C (NM_001438295.1, NM_001438293.1); c.975+12T>C (NM_001438294.1, NM_001005735.3).
Identifiers: ClinVar variation 391425 (VCV000391425.9), dbSNP rs1057524077, ClinGen allele CA16608610.

ClinVar aggregate classification (germline): Likely benign. Review status: criteria provided, multiple submitters, no conflicts (2 of 4 stars). 2 submissions from 2 submitters: Likely benign (2). Last evaluated 2025-11-14.

Conditions:
Familial cancer of breast. Also called: BREAST CANCER, FAMILIAL; Hereditary breast cancer; hereditary breast carcinoma. Identifiers: Orphanet 227535, MedGen C0346153, MONDO:0016419, OMIM 114480. Disease mechanism: loss of function.

Allele frequency attached by ClinVar (database versions not stated): gnomAD exomes below 0.00001; gnomAD 0.00001.
gnomAD v4.1: 3 of 1,381,806 alleles (0.00022%); highest among the groups gnomAD compares: Admixed American, 0.0034%; no homozygotes.

Submissions (2):

Labcorp Genetics (formerly Invitae), Labcorp
Classification: Likely benign for Familial cancer of breast. Last evaluated: 2025-11-14. Review status: criteria provided, single submitter. Criteria: Invitae Variant Classification Sherloc (09022015). Collection method: clinical testing. Allele origin: germline.

GeneDx
Classification: Likely benign. Last evaluated: 2016-12-01. Review status: criteria provided, single submitter. Criteria: GeneDx Variant Classification (06012015). Collection method: clinical testing. Allele origin: germline. Affected: yes.
Comment: This variant is considered likely benign or benign based on one or more of the following criteria: it is a conservative change, it occurs at a poorly conserved position in the protein, it is predicted to be benign by multiple in silico algorithms, and/or has population frequency not consistent with disease.